The following is an entry in ClinVar:

ClinVar aggregate classification (germline): Conflicting classifications of pathogenicity. Review status: criteria provided, conflicting classifications (1 of 4 stars). 3 submissions from 3 submitters: Likely pathogenic (1); Uncertain significance (2). Last evaluated 2023-04-24.

Conditions:
Cardiovascular phenotype. Identifiers: MedGen CN230736.
RASopathy. Also called: rasopathies; Noonan spectrum disorder. Identifiers: Orphanet 536391, MedGen C5555857, MONDO:0021060.

Allele frequency attached by ClinVar (database versions not stated): gnomAD 0.00001; TOPMed 0.00001.
gnomAD v4.1: 1 of 1,614,046 alleles (0.000062%); highest among the groups gnomAD compares: Non-Finnish European, 0.000085%; no homozygotes.

Submissions (3):

Labcorp Genetics (formerly Invitae), Labcorp
Classification: Uncertain significance for RASopathy. Last evaluated: 2023-04-24. Review status: criteria provided, single submitter. Criteria: Invitae Variant Classification Sherloc (09022015). Collection method: clinical testing. Allele origin: germline.
Comment: This sequence change replaces histidine, which is basic and polar, with leucine, which is neutral and non-polar, at codon 264 of the RAF1 protein (p.His264Leu). This variant is not present in population databases (gnomAD no frequency). This variant has not been reported in the literature in individuals affected with RAF1-related conditions. ClinVar contains an entry for this variant (Variation ID: 372613). Advanced modeling of protein sequence and biophysical properties (such as structural, functional, and spatial information, amino acid conservation, physicochemical variation, residue mobility, and thermodynamic stability) performed at Invitae indicates that this missense variant is expected to disrupt RAF1 protein function. In summary, the available evidence is currently insufficient to determine the role of this variant in disease. Therefore, it has been classified as a Variant of Uncertain Significance.

Ambry Genetics
Classification: Uncertain significance for Cardiovascular phenotype. Last evaluated: 2022-04-13. Review status: criteria provided, single submitter. Criteria: Ambry Variant Classification Scheme 2023. Collection method: clinical testing. Allele origin: germline.
Comment: The p.H264L variant (also known as c.791A>T), located in coding exon 6 of the RAF1 gene, results from an A to T substitution at nucleotide position 791. The histidine at codon 264 is replaced by leucine, an amino acid with similar properties. This amino acid position is highly conserved in available vertebrate species. In addition, this alteration is predicted to be deleterious by in silico analysis. Since supporting evidence is limited at this time, the clinical significance of this alteration remains unclear.

GeneDx
Classification: Likely pathogenic. Last evaluated: 2019-06-10. Review status: criteria provided, single submitter. Criteria: GeneDx Variant Classification Process June 2021. Collection method: clinical testing. Allele origin: germline. Affected: yes.
Comment: Not observed in large population cohorts (Lek et al., 2016); RAF1 has a low rate of benign missense variation and missense variants are a common mechanism of disease (Stenson et al., 2014); In silico analysis, which includes protein predictors and evolutionary conservation, supports a deleterious effect; Has not been previously published as pathogenic or benign to our knowledge

NM_002880.4(RAF1):c.791A>T (p.His264Leu)

Gene: RAF1 (Raf-1 proto-oncogene, serine/threonine kinase; minus strand). Cytogenetic location: 3p25.2.
Variant type: single nucleotide variant.
Coding change: c.791A>T on transcript NM_002880.4 (MANE Select); coding-DNA position 791, A replaced by T.
Protein change: p.His264Leu; replaces histidine 264 with leucine.
Molecular consequence: missense variant. On other transcripts: non-coding transcript variant (3).
Genome position (GRCh38, 1-based): chr3:12,604,179, T>A on the plus strand (A>T on the coding strand, the complement: RAF1 is on the minus strand). VCF-style: chr3-12604179-T-A. GRCh37 (hg19) VCF-style: chr3-12645678-T-A.
Other names: c.791A>T, p.His264Leu (NM_001354689.3, NM_001354690.3); c.548A>T, p.His183Leu (NM_001354691.3, NM_001354692.3, NM_001354694.3); c.692A>T, p.His231Leu (NM_001354693.3); c.449A>T, p.His150Leu (NM_001354695.3); short protein forms H264L, H183L, H150L, H231L.
Identifiers: ClinVar variation 372613 (VCV000372613.16), dbSNP rs1057517887, ClinGen allele CA16042495.